The following is an entry in ClinVar:

NM_001369.3(DNAH5):c.7581_7586delinsTGTCTCTTATACA (p.Ala2528fs)

Gene: DNAH5 (dynein axonemal heavy chain 5; minus strand). Cytogenetic location: 5p15.2.
Variant type: Indel.
Coding change: c.7581_7586delinsTGTCTCTTATACA on transcript NM_001369.3 (MANE Select); coding-DNA positions 7581 to 7586, CGCCTT replaced by TGTCTCTTATACA.
Protein change: p.Ala2528fs; shifts the reading frame from alanine 2528.
Molecular consequence: frameshift variant.
Genome position (GRCh38, 1-based): chr5:13,810,082-13,810,087, AAGGCG replaced by TGTATAAGAGACA on the plus strand (CGCCTT replaced by TGTCTCTTATACA on the coding strand, the reverse complement: DNAH5 is on the minus strand). VCF-style: chr5-13810082-AAGGCG-TGTATAAGAGACA. GRCh37 (hg19) VCF-style: chr5-13810191-AAGGCG-TGTATAAGAGACA.
Other names: short protein forms A2528fs.
Identifiers: ClinVar variation 5011070 (VCV005011070.1).

ClinVar aggregate classification (germline): Pathogenic (1 of 4 stars; one submission).

Conditions:
Primary ciliary dyskinesia 3. Identifiers: Orphanet 244, MedGen C1837618, MONDO:0012085, OMIM 608644.

Submission:

Myriad Genetics, Inc.
Classification: Pathogenic for Primary ciliary dyskinesia 3. Last evaluated: 2024-05-14. Review status: criteria provided, single submitter. Criteria: Myriad Autosomal Dominant, Autosomal Recessive and X-Linked Classification Criteria (2023). Collection method: clinical testing. Allele origin: unknown.
Comment: NM_001369.2(DNAH5):c.7581_7586del6ins13(A2528Vfs*29) is expected to be pathogenic in the context of primary ciliary dyskinesia, DNAH5-related. This variant is predicted to lead to an abnormal or absent protein product due to the creation of a premature termination codon in DNAH5, a gene where loss-of-function variants are known to be pathogenic. Please note: this variant was assessed in the context of healthy population screening.